The following is an entry in ClinVar:

NM_002397.5(MEF2C):c.576T>A (p.Ser192Arg)

Gene: MEF2C (myocyte enhancer factor 2C; minus strand). Cytogenetic location: 5q14.3.
Variant type: single nucleotide variant.
Coding change: c.576T>A on transcript NM_002397.5 (MANE Select); coding-DNA position 576, T replaced by A.
Protein change: p.Ser192Arg; replaces serine 192 with arginine.
Molecular consequence: missense variant.
Genome position (GRCh38, 1-based): chr5:88,751,870, A>T on the plus strand (T>A on the coding strand, the complement: MEF2C is on the minus strand). VCF-style: chr5-88751870-A-T. GRCh37 (hg19) VCF-style: chr5-88047687-A-T.
Other names: c.570T>A, p.Ser190Arg (NM_001131005.2, NM_001364343.2, NM_001364352.2); c.630T>A, p.Ser210Arg (NM_001193347.1, NM_001364338.2); c.432T>A, p.Ser144Arg (NM_001193348.1, NM_001193349.3, NM_001364332.2 and 3 more transcripts); c.576T>A, p.Ser192Arg (NM_001193350.2, NM_001308002.3, NM_001363581.2 and 18 more transcripts); c.198T>A, p.Ser66Arg (NM_001364353.2, NM_001364356.2); c.150T>A, p.Ser50Arg (NM_001364357.2); short protein forms S144R, S190R, S192R, S50R, S66R, S210R.
Identifiers: ClinVar variation 952593 (VCV000952593.10), dbSNP rs1772929062, ClinGen allele CA360423684.

ClinVar aggregate classification (germline): Uncertain significance (1 of 4 stars; one submission).

Conditions:
Neurodevelopmental disorder with hypotonia, stereotypic hand movements, and impaired language. Also called: Intellectual disability, autosomal dominant 20. Identifiers: Orphanet 228384, Orphanet 664410, MedGen C3150700, MONDO:0013266, OMIM 613443.

Submission:

Labcorp Genetics (formerly Invitae), Labcorp
Classification: Uncertain significance for Neurodevelopmental disorder with hypotonia, stereotypic hand movements, and impaired language. Last evaluated: 2019-05-05. Review status: criteria provided, single submitter. Criteria: Invitae Variant Classification Sherloc (09022015). Collection method: clinical testing. Allele origin: germline.
Comment: In summary, the available evidence is currently insufficient to determine the role of this variant in disease. Therefore, it has been classified as a Variant of Uncertain Significance. Algorithms developed to predict the effect of missense changes on protein structure and function are either unavailable or do not agree on the potential impact of this missense change (SIFT: "Tolerated"; PolyPhen-2: "Possibly Damaging"; Align-GVGD: "Class C0"). This variant has not been reported in the literature in individuals with MEF2C-related conditions. This variant is not present in population databases (ExAC no frequency). This sequence change replaces serine with arginine at codon 192 of the MEF2C protein (p.Ser192Arg). The serine residue is moderately conserved and there is a moderate physicochemical difference between serine and arginine.